The following is an entry in ClinVar:

NM_006445.4(PRPF8):c.1153G>A (p.Glu385Lys)

Gene: PRPF8 (pre-mRNA processing factor 8; minus strand). Cytogenetic location: 17p13.3.
Variant type: single nucleotide variant.
Coding change: c.1153G>A on transcript NM_006445.4 (MANE Select); coding-DNA position 1153, G replaced by A.
Protein change: p.Glu385Lys; replaces glutamic acid 385 with lysine.
Molecular consequence: missense variant.
Genome position (GRCh38, 1-based): chr17:1,679,745, C>T on the plus strand (G>A on the coding strand, the complement: PRPF8 is on the minus strand). VCF-style: chr17-1679745-C-T. GRCh37 (hg19) VCF-style: chr17-1583039-C-T.
Other names: short protein forms E385K.
Identifiers: ClinVar variation 1517135 (VCV001517135.6), dbSNP rs1912806461, ClinGen allele CA397565025.
Genomic context (GRCh38, chr17:1,679,745, plus strand): 5'-GCAGGGCAATGCCATTGGCTGTATTGTCTGTATAGAGGGGTGTGTCCTTCAGGAAGGGCT[C>T]CACAAACTCCGGGAGCTCAAATTCCTCATCATCATCCGGCAATGGTTCCTGGCTCTGAAA-3'
Protein context (NP_006436.3, residues 375-395): DEEFELPEFV[Glu385Lys]PFLKDTPLYT

ClinVar aggregate classification (germline): Uncertain significance (1 of 4 stars; one submission).

Allele frequency attached by ClinVar (database versions not stated): TOPMed below 0.00001; gnomAD 0.00001.

Submission:

Labcorp Genetics (formerly Invitae), Labcorp
Classification: Uncertain significance. Last evaluated: 2022-09-13. Review status: criteria provided, single submitter. Criteria: Invitae Variant Classification Sherloc (09022015). Collection method: clinical testing. Allele origin: germline.
Comment: In summary, the available evidence is currently insufficient to determine the role of this variant in disease. Therefore, it has been classified as a Variant of Uncertain Significance. Advanced modeling of protein sequence and biophysical properties (such as structural, functional, and spatial information, amino acid conservation, physicochemical variation, residue mobility, and thermodynamic stability) performed at Invitae indicates that this missense variant is not expected to disrupt PRPF8 protein function. ClinVar contains an entry for this variant (Variation ID: 1517135). This variant has not been reported in the literature in individuals affected with PRPF8-related conditions. This variant is not present in population databases (gnomAD no frequency). This sequence change replaces glutamic acid, which is acidic and polar, with lysine, which is basic and polar, at codon 385 of the PRPF8 protein (p.Glu385Lys).